The following is an entry in ClinVar:

ClinVar aggregate classification (germline): Benign/Likely benign. Review status: criteria provided, multiple submitters, no conflicts (2 of 4 stars). 3 submissions from 3 submitters: Benign (2); Likely benign (1). Last evaluated 2026-02-01.

Conditions:
Ehlers-Danlos syndrome, classic type (cEDS). Identifiers: Orphanet 287, MedGen C4225429, MONDO:0007522.
Ehlers-Danlos syndrome, classic type, 1 (EDSCL1). Also called: EHLERS-DANLOS SYNDROME, GRAVIS TYPE; EHLERS-DANLOS SYNDROME, SEVERE CLASSIC TYPE; Ehlers-Danlos Syndrome, Classic Type, COL5A1-Related; EDS I; Ehlers-Danlos syndrome, type 1. Identifiers: MedGen C0268335, MONDO:0019567, OMIM 130000.

Allele frequency attached by ClinVar (database versions not stated): TOPMed 0.00008; gnomAD exomes 0.00017 and 0.00004; gnomAD 0.00009 and 0.00008; ESP Exome Variant Server 0.00008; ExAC 0.00023.
gnomAD v4.1: 68 of 1,613,150 alleles (0.0042%); highest among the groups gnomAD compares: East Asian, 0.082%; no homozygotes.

Submissions (3):

Labcorp Genetics (formerly Invitae), Labcorp
Classification: Benign for Ehlers-Danlos syndrome, classic type, 1. Last evaluated: 2026-02-01. Review status: criteria provided, single submitter. Criteria: Invitae Variant Classification Sherloc (09022015). Collection method: clinical testing. Allele origin: germline.

Illumina Laboratory Services, Illumina
Classification: Benign for Ehlers-Danlos syndrome, classic type, 1. Last evaluated: 2018-01-13. Review status: criteria provided, single submitter. Criteria: ICSL Variant Classification Criteria 13 December 2019. Collection method: clinical testing. Allele origin: germline.
Comment: This variant was observed in the ICSL laboratory as part of a predisposition screen in an ostensibly healthy population. It had not been previously curated by ICSL or reported in the Human Gene Mutation Database (HGMD: prior to June 1st, 2018), and was therefore a candidate for classification through an automated scoring system. Utilizing variant allele frequency, disease prevalence and penetrance estimates, and inheritance mode, an automated score was calculated to assess if this variant is too frequent to cause the disease. Based on the score and internal cut-off values, a variant classified as benign is not then subjected to further curation. The score for this variant resulted in a classification of benign for this disease.

GeneDx
Classification: Likely benign. Last evaluated: 2016-02-18. Review status: criteria provided, single submitter. Criteria: GeneDx Variant Classification (06012015). Collection method: clinical testing. Allele origin: germline. Affected: yes.
Comment: This variant is considered likely benign or benign based on one or more of the following criteria: it is a conservative change, it occurs at a poorly conserved position in the protein, it is predicted to be benign by multiple in silico algorithms, and/or has population frequency not consistent with disease.

NM_000093.5(COL5A1):c.2331+15C>T

Gene: COL5A1 (collagen type V alpha 1 chain; plus strand). Cytogenetic location: 9q34.3.
Variant type: single nucleotide variant.
Coding change: c.2331+15C>T on transcript NM_000093.5 (MANE Select); 15 bases into the intron after coding-DNA position 2331, C replaced by T.
Molecular consequence: intron variant.
Genome position (GRCh38, 1-based): chr9:134,772,849, C>T. VCF-style: chr9-134772849-C-T. GRCh37 (hg19) VCF-style: chr9-137664695-C-T.
Other names: c.2331+15C>T (NM_001278074.1).
Identifiers: ClinVar variation 365716 (VCV000365716.14), dbSNP rs369093559, ClinGen allele CA5319272.